The following is an entry in ClinVar:

ClinVar aggregate classification (germline): Likely benign. Review status: criteria provided, multiple submitters, no conflicts (2 of 4 stars). 3 submissions from 3 submitters: Likely benign (3). Last evaluated 2025-10-06.

Conditions:
Familial cancer of breast. Also called: BREAST CANCER, FAMILIAL; Hereditary breast cancer; hereditary breast carcinoma. Identifiers: Orphanet 227535, MedGen C0346153, MONDO:0016419, OMIM 114480. Disease mechanism: loss of function.
Fanconi anemia complementation group J. Also called: BRIP1-Related Fanconi Anemia. Identifiers: Orphanet 84, MedGen C1836860, MONDO:0012187, OMIM 609054.

Submissions (3):

Labcorp Genetics (formerly Invitae), Labcorp
Classification: Likely benign for Familial cancer of breast; Fanconi anemia complementation group J. Last evaluated: 2025-10-06. Review status: criteria provided, single submitter. Criteria: Invitae Variant Classification Sherloc (09022015). Collection method: clinical testing. Allele origin: germline.

Myriad Genetics, Inc.
Classification: Likely benign for Familial cancer of breast. Last evaluated: 2024-09-04. Review status: criteria provided, single submitter. Criteria: Myriad Autosomal Dominant, Autosomal Recessive and X-Linked Classification Criteria (2023). Collection method: clinical testing. Allele origin: unknown.
Comment: This variant is considered likely benign. This variant is intronic and is not expected to impact mRNA splicing.

GeneDx
Classification: Likely benign. Last evaluated: 2018-06-05. Review status: criteria provided, single submitter. Criteria: GeneDx Variant Classification (06012015). Collection method: clinical testing. Allele origin: germline. Affected: yes.
Comment: This variant is considered likely benign or benign based on one or more of the following criteria: it is a conservative change, it occurs at a poorly conserved position in the protein, it is predicted to be benign by multiple in silico algorithms, and/or has population frequency not consistent with disease.

NM_032043.3(BRIP1):c.2258-6dup

Gene: BRIP1 (BRCA1 interacting DNA helicase 1; minus strand). Cytogenetic location: 17q23.2.
Variant type: Duplication.
Coding change: c.2258-6dup on transcript NM_032043.3 (MANE Select); 6 bases into the intron before coding-DNA position 2258, one base duplicated (T; older notation c.2258-6dupT).
Molecular consequence: intron variant.
Genome position (GRCh38, 1-based): chr17:61,743,138, A duplicated on the plus strand (T on the coding strand, the reverse complement: BRIP1 is on the minus strand); the first of 3 consecutive A bases (chr17:61,743,138-61,743,140); duplicating any one gives the same sequence. VCF-style (leftmost placement, unchanged base first): chr17-61743137-T-TA. GRCh37 (hg19) VCF-style: chr17-59820498-T-TA.
Identifiers: ClinVar variation 671635 (VCV000671635.3), dbSNP rs1254598966, ClinGen allele CA773817483.